The following is an entry in ClinVar:

ClinVar aggregate classification (germline): Likely benign (1 of 4 stars; one submission).

Allele frequency attached by ClinVar (database versions not stated): gnomAD exomes 0.00080 and 0.00207; ExAC 0.00329; 1000 Genomes Project 0.00739; 1000 Genomes Project 30x 0.00796; gnomAD 0.00867 and 0.00930; TOPMed 0.00967; ESP Exome Variant Server 0.01103.
gnomAD v4.1: 2,468 of 1,573,086 alleles (0.16%); highest among the groups gnomAD compares: African/African-American, 3.1%; 36 homozygotes.

Submission:

GeneDx
Classification: Likely benign. Last evaluated: 2018-06-16. Review status: criteria provided, single submitter. Criteria: GeneDx Variant Classification (06012015). Collection method: clinical testing. Allele origin: germline. Affected: yes.
Comment: This variant is considered likely benign or benign based on one or more of the following criteria: it is a conservative change, it occurs at a poorly conserved position in the protein, it is predicted to be benign by multiple in silico algorithms, and/or has population frequency not consistent with disease.

NM_001376.5(DYNC1H1):c.13218+46G>A

Gene: DYNC1H1 (dynein cytoplasmic 1 heavy chain 1; plus strand). Cytogenetic location: 14q32.31.
Variant type: single nucleotide variant.
Coding change: c.13218+46G>A on transcript NM_001376.5 (MANE Select); 46 bases into the intron after coding-DNA position 13218, G replaced by A.
Molecular consequence: intron variant.
Genome position (GRCh38, 1-based): chr14:102,048,074, G>A. VCF-style: chr14-102048074-G-A. GRCh37 (hg19) VCF-style: chr14-102514411-G-A.
Identifiers: ClinVar variation 678744 (VCV000678744.1), dbSNP rs75798275, ClinGen allele CA7354174.